The following is an entry in ClinVar:

ClinVar aggregate classification (germline): Uncertain significance. Review status: criteria provided, multiple submitters, no conflicts (2 of 4 stars). 2 submissions from 2 submitters: Uncertain significance (2). Last evaluated 2025-09-23.

Conditions:
Noonan syndrome (NS). Also called: Noonan's syndrome. Identifiers: Orphanet 648, MedGen C0028326, MeSH D009634, MONDO:0018997. Disease mechanism: gain of function.

Submissions (2):

Labcorp Genetics (formerly Invitae), Labcorp
Classification: Uncertain significance for Noonan syndrome. Last evaluated: 2025-09-23. Review status: criteria provided, single submitter. Criteria: Invitae Variant Classification Sherloc (09022015). Collection method: clinical testing. Allele origin: germline.
Comment: This sequence change replaces proline, which is neutral and non-polar, with leucine, which is neutral and non-polar, at codon 202 of the RRAS protein (p.Pro202Leu). This variant is not present in population databases (gnomAD no frequency). This variant has not been reported in the literature in individuals affected with RRAS-related conditions. ClinVar contains an entry for this variant (Variation ID: 3375295). An algorithm developed to predict the effect of missense changes on protein structure and function (PolyPhen-2) suggests that this variant is likely to be tolerated. In summary, the available evidence is currently insufficient to determine the role of this variant in disease. Therefore, it has been classified as a Variant of Uncertain Significance.

Women's Health and Genetics/Laboratory Corporation of America, LabCorp
Classification: Uncertain significance. Last evaluated: 2024-09-23. Review status: criteria provided, single submitter. Criteria: LabCorp Variant Classification Summary - May 2015. Collection method: clinical testing. Allele origin: germline.
Comment: Variant summary: RRAS c.605C>T (p.Pro202Leu) results in a non-conservative amino acid change in the encoded protein sequence. Three of five in-silico tools predict a benign effect of the variant on protein function. The variant was absent in 193464 control chromosomes. The available data on variant occurrences in the general population are insufficient to allow any conclusion about variant significance. To our knowledge, no occurrence of c.605C>T in individuals affected with Noonan Syndrome And Related Conditions and no experimental evidence demonstrating its impact on protein function have been reported. No submitters have cited clinical-significance assessments for this variant to ClinVar. Based on the evidence outlined above, the variant was classified as uncertain significance.

NM_006270.5(RRAS):c.605C>T (p.Pro202Leu)

Gene: RRAS (RAS related; minus strand). Cytogenetic location: 19q13.33.
Variant type: single nucleotide variant.
Coding change: c.605C>T on transcript NM_006270.5 (MANE Select); coding-DNA position 605, C replaced by T.
Protein change: p.Pro202Leu; replaces proline 202 with leucine.
Molecular consequence: missense variant.
Genome position (GRCh38, 1-based): chr19:49,635,628, G>A on the plus strand (C>T on the coding strand, the complement: RRAS is on the minus strand). VCF-style: chr19-49635628-G-A. GRCh37 (hg19) VCF-style: chr19-50138885-G-A.
Other names: short protein forms P202L.
Identifiers: ClinVar variation 3375295 (VCV003375295.2).